The following is an entry in ClinVar:

ClinVar aggregate classification (germline): Uncertain significance. Review status: criteria provided, multiple submitters, no conflicts (2 of 4 stars). 2 submissions from 2 submitters: Uncertain significance (2). Last evaluated 2025-12-03.

Conditions:
Primary ciliary dyskinesia. Also called: Ciliary dyskinesia. Identifiers: Orphanet 244, MedGen C0008780, MONDO:0016575, HP:0012265.

Allele frequency attached by ClinVar (database versions not stated): ExAC 0.00002; gnomAD 0.00002; TOPMed 0.00002; gnomAD exomes 0.00003; ESP Exome Variant Server 0.00008.
gnomAD v4.1: 44 of 1,603,956 alleles (0.0027%); highest among the groups gnomAD compares: Non-Finnish European, 0.0037%; no homozygotes.

Submissions (2):

Labcorp Genetics (formerly Invitae), Labcorp
Classification: Uncertain significance for Primary ciliary dyskinesia. Last evaluated: 2025-12-03. Review status: criteria provided, single submitter. Criteria: Invitae Variant Classification Sherloc (09022015). Collection method: clinical testing. Allele origin: germline.
Comment: This sequence change replaces lysine, which is basic and polar, with asparagine, which is neutral and polar, at codon 1792 of the DNAH8 protein (p.Lys1792Asn). This variant is present in population databases (rs371592236, gnomAD 0.003%). This variant has not been reported in the literature in individuals affected with DNAH8-related conditions. ClinVar contains an entry for this variant (Variation ID: 2205719). Invitae Evidence Modeling of protein sequence and biophysical properties (such as structural, functional, and spatial information, amino acid conservation, physicochemical variation, residue mobility, and thermodynamic stability) indicates that this missense variant is expected to disrupt DNAH8 protein function with a positive predictive value of 80%. In summary, the available evidence is currently insufficient to determine the role of this variant in disease. Therefore, it has been classified as a Variant of Uncertain Significance.

Ambry Genetics
Classification: Uncertain significance. Last evaluated: 2025-03-22. Review status: criteria provided, single submitter. Criteria: Ambry Variant Classification Scheme 2023. Collection method: clinical testing. Allele origin: germline.

NM_001206927.2(DNAH8):c.5376G>C (p.Lys1792Asn)

Gene: DNAH8 (dynein axonemal heavy chain 8; plus strand). Cytogenetic location: 6p21.2.
Variant type: single nucleotide variant.
Coding change: c.5376G>C on transcript NM_001206927.2 (MANE Select); coding-DNA position 5376, G replaced by C.
Protein change: p.Lys1792Asn; replaces lysine 1792 with asparagine.
Molecular consequence: missense variant.
Genome position (GRCh38, 1-based): chr6:38,851,584, G>C. VCF-style: chr6-38851584-G-C. GRCh37 (hg19) VCF-style: chr6-38819360-G-C.
Other names: c.4725G>C, p.Lys1575Asn (NM_001371.4); short protein forms K1575N, K1792N.
Identifiers: ClinVar variation 2205719 (VCV002205719.4), dbSNP rs371592236, ClinGen allele CA3789360.
Genomic context (GRCh38, chr6:38,851,584, plus strand): 5'-TAGGGGAAAAAAAACCACTTGGTAACATACTGTCGACTTTATTTGAAGGTATTTGGAGAA[G>C]AAACGATTACTGTTTCCAAGATTCTTCTTTGTATCTGATCCAGTTCTCCTGGAAATTCTT-3'
Protein context (NP_001193856.1, residues 1782-1802): CQKSLTGYLE[Lys1792Asn]KRLLFPRFFF